The following is an entry in ClinVar:

NM_033305.3(VPS13A):c.883-1G>C

Gene: VPS13A (vacuolar protein sorting 13 homolog A; plus strand). Cytogenetic location: 9q21.2.
Variant type: single nucleotide variant.
Coding change: c.883-1G>C on transcript NM_033305.3 (MANE Select); the canonical splice acceptor site of the intron before coding-DNA position 883, G replaced by C.
Molecular consequence: splice acceptor variant.
Genome position (GRCh38, 1-based): chr9:77,220,276, G>C. VCF-style: chr9-77220276-G-C. GRCh37 (hg19) VCF-style: chr9-79835192-G-C.
Other names: c.883-1G>C (NM_001018037.2, NM_015186.4, NM_001018038.3 and 1 more transcripts).
Identifiers: ClinVar variation 2034608 (VCV002034608.5), dbSNP rs754192137, ClinGen allele CA373843303.

ClinVar aggregate classification (germline): Likely pathogenic. Review status: criteria provided, multiple submitters, no conflicts (2 of 4 stars). 2 submissions from 2 submitters: Likely pathogenic (2). Last evaluated 2024-02-20.

Conditions:
VPS13A-related neurodegenerative disease. Also called: LEVINE-CRITCHLEY SYNDROME; Choreoacanthocytosis; VPS13A Disease; Chorea-acanthocytosis; Choreaacanthocytosis; ACANTHOCYTOSIS WITH NEUROLOGIC DISORDER. Identifiers: Orphanet 2388, MedGen C0393576, MONDO:0008695, OMIM 200150.

Allele frequency attached by ClinVar (database versions not stated): gnomAD exomes below 0.00001.
gnomAD v4.1: 1 of 1,608,656 alleles (0.000062%); highest among the groups gnomAD compares: Non-Finnish European, 0.000085%; no homozygotes.

Submissions (2):

Natera, Inc.
Classification: Likely pathogenic for Choreaacanthocytosis. Last evaluated: 2024-02-20. Review status: criteria provided, single submitter. Criteria: Natera Variant Classification Schema (03/2026). Collection method: clinical testing. Allele origin: germline.
Comment: The c.883-1G>C variant in VPS13A is a canonical splice acceptor site variant predicted to affect pre-mRNA splicing, which may result in an abnormal transcript and altered protein product. This variant is expected to result in nonsense mediated decay, truncation, or a dysfunctional protein product. This variant is rare in the general population with a frequency below the threshold expected for the associated phenotype(s). Given the available evidence, this variant is classified as Likely Pathogenic.

Labcorp Genetics (formerly Invitae), Labcorp
Classification: Likely pathogenic. Last evaluated: 2023-07-17. Review status: criteria provided, single submitter. Criteria: Invitae Variant Classification Sherloc (09022015). Collection method: clinical testing. Allele origin: germline.
Comment: Algorithms developed to predict the effect of sequence changes on RNA splicing suggest that this variant may disrupt the consensus splice site. ClinVar contains an entry for this variant (Variation ID: 2034608). This variant has not been reported in the literature in individuals affected with VPS13A-related conditions. This variant is present in population databases (no rsID available, gnomAD 0.0009%). This sequence change affects an acceptor splice site in intron 11 of the VPS13A gene. It is expected to disrupt RNA splicing. Variants that disrupt the donor or acceptor splice site typically lead to a loss of protein function (PMID: 16199547), and loss-of-function variants in VPS13A are known to be pathogenic (PMID: 12404112, 21598378). In summary, the currently available evidence indicates that the variant is pathogenic, but additional data are needed to prove that conclusively. Therefore, this variant has been classified as Likely Pathogenic.

Literature cited by the submitters: PubMed 16199547 (cited by Labcorp Genetics (formerly Invitae), Labcorp); PubMed 12404112 (cited by Labcorp Genetics (formerly Invitae), Labcorp); PubMed 21598378 (cited by Labcorp Genetics (formerly Invitae), Labcorp).